The following is an entry in ClinVar:

ClinVar aggregate classification (germline): Uncertain significance (1 of 4 stars; one submission).

Submission:

Labcorp Genetics (formerly Invitae), Labcorp
Classification: Uncertain significance. Last evaluated: 2021-11-25. Review status: criteria provided, single submitter. Criteria: Invitae Variant Classification Sherloc (09022015). Collection method: clinical testing. Allele origin: germline.
Comment: This variant has not been reported in the literature in individuals affected with TUBB4B-related conditions. This sequence change replaces threonine, which is neutral and polar, with methionine, which is neutral and non-polar, at codon 312 of the TUBB4B protein (p.Thr312Met). This variant is not present in population databases (gnomAD no frequency). Algorithms developed to predict the effect of missense changes on protein structure and function are either unavailable or do not agree on the potential impact of this missense change (SIFT: "Deleterious"; PolyPhen-2: "Probably Damaging"; Align-GVGD: "Class C0"). In summary, the available evidence is currently insufficient to determine the role of this variant in disease. Therefore, it has been classified as a Variant of Uncertain Significance.

NM_006088.6(TUBB4B):c.935C>T (p.Thr312Met)

Gene: TUBB4B (tubulin beta 4B class IVb; plus strand). Cytogenetic location: 9q34.3.
Variant type: single nucleotide variant.
Coding change: c.935C>T on transcript NM_006088.6 (MANE Select); coding-DNA position 935, C replaced by T.
Protein change: p.Thr312Met; replaces threonine 312 with methionine.
Molecular consequence: missense variant.
Genome position (GRCh38, 1-based): chr9:137,243,153, C>T. VCF-style: chr9-137243153-C-T. GRCh37 (hg19) VCF-style: chr9-140137605-C-T.
Other names: short protein forms T312M.
Identifiers: ClinVar variation 1477323 (VCV001477323.6), dbSNP rs2131434991, ClinGen allele CA375754969.